The following is an entry in ClinVar:

ClinVar aggregate classification (germline): Uncertain significance. Review status: criteria provided, multiple submitters, no conflicts (2 of 4 stars). 2 submissions from 2 submitters: Uncertain significance (2). Last evaluated 2024-08-03.

Conditions:
Bloom syndrome (BLM). Also called: Bloom-Torre-Machacek syndrome. Identifiers: Orphanet 125, MedGen C0005859, MONDO:0008876, OMIM 210900.
Hereditary cancer-predisposing syndrome. Also called: Tumor predisposition; Neoplastic Syndromes, Hereditary; Hereditary neoplastic syndrome; Hereditary Cancer Syndrome. Identifiers: Orphanet 140162, MedGen C0027672, MeSH D009386, MONDO:0015356.

Submissions (2):

Ambry Genetics
Classification: Uncertain significance for Hereditary cancer-predisposing syndrome. Last evaluated: 2024-08-03. Review status: criteria provided, single submitter. Criteria: Ambry Variant Classification Scheme 2023. Collection method: clinical testing. Allele origin: germline.
Comment: The p.Q725E variant (also known as c.2173C>G), located in coding exon 8 of the BLM gene, results from a C to G substitution at nucleotide position 2173. The glutamine at codon 725 is replaced by glutamic acid, an amino acid with highly similar properties. This amino acid position is conserved. In addition, the in silico prediction for this alteration is inconclusive. Based on the available evidence, the clinical significance of this variant remains unclear.

Labcorp Genetics (formerly Invitae), Labcorp
Classification: Uncertain significance for Bloom syndrome. Last evaluated: 2024-07-22. Review status: criteria provided, single submitter. Criteria: Invitae Variant Classification Sherloc (09022015). Collection method: clinical testing. Allele origin: germline.
Comment: This sequence change replaces glutamine, which is neutral and polar, with glutamic acid, which is acidic and polar, at codon 725 of the BLM protein (p.Gln725Glu). This variant is not present in population databases (gnomAD no frequency). This variant has not been reported in the literature in individuals affected with BLM-related conditions. Advanced modeling of protein sequence and biophysical properties (such as structural, functional, and spatial information, amino acid conservation, physicochemical variation, residue mobility, and thermodynamic stability) performed at Invitae indicates that this missense variant is not expected to disrupt BLM protein function with a negative predictive value of 80%. In summary, the available evidence is currently insufficient to determine the role of this variant in disease. Therefore, it has been classified as a Variant of Uncertain Significance.

NM_000057.4(BLM):c.2173C>G (p.Gln725Glu)

Gene: BLM (BLM RecQ like helicase; plus strand). Cytogenetic location: 15q26.1.
Variant type: single nucleotide variant.
Coding change: c.2173C>G on transcript NM_000057.4 (MANE Select); coding-DNA position 2173, C replaced by G.
Protein change: p.Gln725Glu; replaces glutamine 725 with glutamic acid.
Molecular consequence: missense variant.
Genome position (GRCh38, 1-based): chr15:90,765,394, C>G. VCF-style: chr15-90765394-C-G. GRCh37 (hg19) VCF-style: chr15-91308624-C-G.
Other names: c.2173C>G, p.Gln725Glu (NM_001287246.2, NM_001287247.2); c.1048C>G, p.Gln350Glu (NM_001287248.2); short protein forms Q350E, Q725E.
Identifiers: ClinVar variation 3480820 (VCV003480820.3).
Genomic context (GRCh38, chr15:90,765,394, plus strand): 5'-GTTTCTCCTGGGGTCACTGTTGTCATTTCTCCCTTGAGATCACTTATCGTAGATCAAGTC[C>G]AAAAGCTGACTTCCTTGGATGTAAGTTATAAAAATACTAATAAAAACACGCCTTAGAAAC-3'
Protein context (NP_000048.1, residues 715-735): PLRSLIVDQV[Gln725Glu]KLTSLDIPAT